The following is an entry in ClinVar:

NM_002468.5(MYD88):c.-30G>T

Gene: MYD88 (MYD88 innate immune signal transduction adaptor; plus strand). Cytogenetic location: 3p22.2.
Variant type: single nucleotide variant.
Coding change: c.-30G>T on transcript NM_002468.5 (MANE Select); 30 bases upstream of the start codon, G replaced by T.
Molecular consequence: 5 prime UTR variant.
Genome position (GRCh38, 1-based): chr3:38,138,671, G>T. VCF-style: chr3-38138671-G-T. GRCh37 (hg19) VCF-style: chr3-38180162-G-T.
Other names: c.-30G>T (NM_001172566.2, NM_001172567.2, NM_001172568.2 and 4 more transcripts).
Identifiers: ClinVar variation 1052586 (VCV001052586.5), dbSNP rs541535441, ClinGen allele CA352127071.

ClinVar aggregate classification (germline): Uncertain significance (1 of 4 stars; one submission).

Conditions:
Pyogenic bacterial infections due to MyD88 deficiency (IMD68). Also called: PYOGENIC BACTERIAL INFECTIONS, RECURRENT, DUE TO MYD88 DEFICIENCY. Identifiers: Orphanet 183713, MedGen C2677092, MONDO:0012839, OMIM 612260.

Allele frequency attached by ClinVar (database versions not stated): TOPMed 0.00001.

Submission:

Labcorp Genetics (formerly Invitae), Labcorp
Classification: Uncertain significance for Pyogenic bacterial infections due to MyD88 deficiency. Last evaluated: 2022-07-05. Review status: criteria provided, single submitter. Criteria: Invitae Variant Classification Sherloc (09022015). Collection method: clinical testing. Allele origin: germline.
Comment: In summary, the available evidence is currently insufficient to determine the role of this variant in disease. Therefore, it has been classified as a Variant of Uncertain Significance. Algorithms developed to predict the effect of missense changes on protein structure and function are either unavailable or do not agree on the potential impact of this missense change (SIFT: "Deleterious"; PolyPhen-2: "Probably Damaging"; Align-GVGD: "Class C0"). ClinVar contains an entry for this variant (Variation ID: 1052586). This variant has not been reported in the literature in individuals affected with MYD88-related conditions. This variant is present in population databases (no rsID available, gnomAD 0.003%). This sequence change replaces aspartic acid, which is acidic and polar, with tyrosine, which is neutral and polar, at codon 4 of the MYD88 protein (p.Asp4Tyr).